The following is an entry in ClinVar:

NM_133379.5(TTN):c.10453G>C (p.Ala3485Pro)

Gene: TTN (titin; minus strand). Cytogenetic location: 2q31.2.
Variant type: single nucleotide variant.
Coding change: c.10453G>C on transcript NM_133379.5; coding-DNA position 10453, G replaced by C.
Protein change: p.Ala3485Pro; replaces alanine 3485 with proline.
Molecular consequence: missense variant. On other transcripts: intron variant (6).
Genome position (GRCh38, 1-based): chr2:178,751,947, C>G on the plus strand (G>C on the coding strand, the complement: TTN is on the minus strand). VCF-style: chr2-178751947-C-G. GRCh37 (hg19) VCF-style: chr2-179616674-C-G.
Other names: c.10222+1177G>C (NM_003319.4); c.10798+1177G>C (NM_133437.4); c.10597+1177G>C (NM_133432.3); c.10360+1177G>C (NM_133378.4, NM_001256850.1); c.11311+1177G>C (NM_001267550.2); short protein forms A3485P.
Identifiers: ClinVar variation 166286 (VCV000166286.5), dbSNP rs727503675, ClinGen allele CA179168.

ClinVar aggregate classification (germline): Uncertain significance (1 of 4 stars; one submission).

Allele frequency attached by ClinVar (database versions not stated): gnomAD exomes below 0.00001.
gnomAD v4.1: 1 of 1,588,058 alleles (0.000063%); highest among the groups gnomAD compares: Non-Finnish European, 0.000085%; no homozygotes.

Submission:

Laboratory for Molecular Medicine, Mass General Brigham Personalized Medicine
Classification: Uncertain significance. Last evaluated: 2015-06-09. Review status: criteria provided, single submitter. Criteria: LMM Criteria. Collection method: clinical testing. Allele origin: germline. Observed: 2 variant alleles.
Comment: It was absent from large populatio n studies. Computational prediction tools and conservation analysis are limited or unavailable for this variant. In summary, the clinical significance of the p. Ala3485Pro variant is uncertain.